The following is an entry in ClinVar:

NM_000388.4(CASR):c.1852C>T (p.Leu618Phe)

Gene: CASR (calcium sensing receptor; plus strand). Cytogenetic location: 3q21.1.
Variant type: single nucleotide variant.
Coding change: c.1852C>T on transcript NM_000388.4 (MANE Select); coding-DNA position 1852, C replaced by T.
Protein change: p.Leu618Phe; replaces leucine 618 with phenylalanine.
Molecular consequence: missense variant.
Genome position (GRCh38, 1-based): chr3:122,283,806, C>T. VCF-style: chr3-122283806-C-T. GRCh37 (hg19) VCF-style: chr3-122002653-C-T.
Other names: c.1852C>T (NM_000388.3); c.1882C>T, p.Leu628Phe (NM_001178065.2); short protein forms L628F, L618F.
Identifiers: ClinVar variation 1922117 (VCV001922117.7), dbSNP rs2074923685, ClinGen allele CA354157637.

ClinVar aggregate classification (germline): Uncertain significance. Review status: criteria provided, multiple submitters, no conflicts (2 of 4 stars). 3 submissions from 3 submitters: Uncertain significance (2). 1 of the submissions does not count toward it. Last evaluated 2024-06-26.

Conditions:
Familial hypocalciuric hypercalcemia 1. Also called: Hypercalcemia, familial benign type 1. Identifiers: Orphanet 405, Orphanet 93372, MedGen C0342637, MONDO:0007791, OMIM 145980.
Autosomal dominant hypocalcemia 1 (HYPOC1). Also called: HYPOCALCEMIA, FAMILIAL. Identifiers: MedGen C3715128, MONDO:0011013, OMIM 601198.
Familial hypocalciuric hypercalcemia (FHH). Also called: Familial benign hypercalcemia. Identifiers: Orphanet 405, MedGen C1809471, MONDO:0018458.
Nephrolithiasis/nephrocalcinosis. Identifiers: MedGen CN580796.

Allele frequency attached by ClinVar (database versions not stated): gnomAD exomes below 0.00001.
gnomAD v4.1: 1 of 1,614,168 alleles (0.000062%); highest among the groups gnomAD compares: Non-Finnish European, 0.000085%; no homozygotes.

Submissions (3):

Ambry Genetics
Classification: Uncertain significance for Nephrolithiasis/nephrocalcinosis. Last evaluated: 2024-06-26. Review status: criteria provided, single submitter. Criteria: Ambry Variant Classification Scheme 2023. Collection method: clinical testing. Allele origin: germline.
Comment: The p.L618F variant (also known as c.1852C>T), located in coding exon 6 of the CASR gene, results from a C to T substitution at nucleotide position 1852. The leucine at codon 618 is replaced by phenylalanine, an amino acid with highly similar properties. This amino acid position is not well conserved in available vertebrate species. The in silico prediction for this alteration is inconclusive. In addition, the evidence for the gene-disease relationship is limited for pancreatitis and cancer predisposition; therefore, the clinical significance of this variant for CASR-related pancreatitis and cancer predisposition is unclear. Based on the available evidence, the clinical significance of this variant remains unclear.

Labcorp Genetics (formerly Invitae), Labcorp
Classification: Uncertain significance for Familial hypocalciuric hypercalcemia; Autosomal dominant hypocalcemia 1. Last evaluated: 2023-02-19. Review status: criteria provided, single submitter. Criteria: Invitae Variant Classification Sherloc (09022015). Collection method: clinical testing. Allele origin: germline.
Comment: This variant is not present in population databases (gnomAD no frequency). This sequence change replaces leucine, which is neutral and non-polar, with phenylalanine, which is neutral and non-polar, at codon 618 of the CASR protein (p.Leu618Phe). This variant has not been reported in the literature in individuals affected with CASR-related conditions. An algorithm developed to predict the effect of missense changes on protein structure and function (PolyPhen-2) suggests that this variant is likely to be tolerated. In summary, the available evidence is currently insufficient to determine the role of this variant in disease. Therefore, it has been classified as a Variant of Uncertain Significance.

Cardiovascular Genetics Laboratory, PathWest Laboratory Medicine WA - Fiona Stanley Hospital
Classification: Uncertain significance for Familial hypocalciuric hypercalcemia 1. Last evaluated: 2024-04-29. Review status: no assertion criteria provided. Criteria: ACMG Guidelines, 2015. Collection method: clinical testing. Allele origin: germline. Affected: yes. Not counted in ClinVar's aggregate classification.